The following is an entry in ClinVar:

NM_024996.7(GFM1):c.70C>T (p.Gln24Ter)

Gene: GFM1 (G elongation factor mitochondrial 1; plus strand). Cytogenetic location: 3q25.32.
Variant type: single nucleotide variant.
Coding change: c.70C>T on transcript NM_024996.7 (MANE Select); coding-DNA position 70, C replaced by T.
Protein change: p.Gln24Ter; replaces glutamine 24 with a stop codon.
Molecular consequence: nonsense. On other transcripts: 5 prime UTR variant (4), non-coding transcript variant (4).
Genome position (GRCh38, 1-based): chr3:158,644,704, C>T. VCF-style: chr3-158644704-C-T. GRCh37 (hg19) VCF-style: chr3-158362493-C-T.
Other names: c.70C>T, p.Gln24Ter (NM_001308164.2, NM_001308166.2, NM_001374355.1 and 2 more transcripts); c.-322C>T (NM_001374357.1); c.-160C>T (NM_001374359.1, NM_001374360.1, NM_001374361.1); short protein forms Q24*.
Identifiers: ClinVar variation 4068603 (VCV004068603.2).
Genomic context (GRCh38, chr3:158,644,704, plus strand): 5'-CTGGGAGCTGCAGCCGTCGCGGCTCTGGGGCGCGGAAGGGCCCCCGCCTCCCTAGGCTGG[C>T]AGAGGAAGCAGGTACCGGAGCATAGAGAGGCTAAATCGGGACCATTCCCGGAACCTTGTG-3'

ClinVar aggregate classification (germline): Likely pathogenic (1 of 4 stars; one submission).

Conditions:
Hepatoencephalopathy due to combined oxidative phosphorylation defect type 1. Also called: HEPATOENCEPHALOPATHY, EARLY FATAL PROGRESSIVE. Identifiers: Orphanet 137681, MedGen C1836797, MONDO:0012191, OMIM 609060.

Submission:

Natera, Inc.
Classification: Likely pathogenic for Combined oxidative phosphorylation deficiency 1. Last evaluated: 2025-01-10. Review status: criteria provided, single submitter. Criteria: Natera Variant Classification Schema (03/2026). Collection method: clinical testing. Allele origin: germline.
Comment: The c.70C>T variant in GFM1 is a nonsense variant predicted to introduce a stop codon at amino acid 24. This variant is expected to result in nonsense mediated decay, truncation, or a dysfunctional protein product. This variant is rare in the general population with a frequency below the threshold expected for the associated phenotype(s). Given the available evidence, this variant is classified as Likely Pathogenic.